The following is an entry in ClinVar:

ClinVar aggregate classification (germline): Uncertain significance. Review status: criteria provided, multiple submitters, no conflicts (2 of 4 stars). 2 submissions from 2 submitters: Uncertain significance (2). Last evaluated 2025-12-16.

Conditions:
Autosomal dominant nocturnal frontal lobe epilepsy 5. Also called: CILIARY DYSKINESIA, PRIMARY, 28, WITH SITUS INVERSUS; KCNT1-Related Epilepsy; CILIARY DYSKINESIA, PRIMARY, 28, WITHOUT SITUS INVERSUS; Epilepsy, nocturnal frontal lobe, 5. Identifiers: Orphanet 98784, MedGen C3554306, MONDO:0014002, OMIM 615005.
Developmental and epileptic encephalopathy, 14 (DEE14). Also called: Early infantile epileptic encephalopathy 14. Identifiers: Orphanet 293181, MedGen C3554195, MONDO:0013989, OMIM 614959.

Allele frequency attached by ClinVar (database versions not stated): gnomAD exomes below 0.00001; ExAC 0.00001; TOPMed 0.00001.
gnomAD v4.1: 17 of 1,609,068 alleles (0.0011%); highest among the groups gnomAD compares: East Asian, 0.0022%; no homozygotes.

Submissions (2):

Women's Health and Genetics/Laboratory Corporation of America, LabCorp
Classification: Uncertain significance. Last evaluated: 2025-12-16. Review status: criteria provided, single submitter. Criteria: LabCorp Variant Classification Summary - May 2015. Collection method: clinical testing. Allele origin: germline.
Comment: Variant summary: KCNT1 c.26C>T (p.Thr9Ile) results in a non-conservative amino acid change in the encoded protein sequence. Algorithms developed to predict the effect of missense changes on protein structure and function are either unavailable or do not agree on the potential impact of this missense change. The variant allele was found at a frequency of 4.2e-06 in 235738 control chromosomes. The available data on variant occurrences in the general population are insufficient to allow any conclusion about variant significance. To our knowledge, no occurrence of c.26C>T in individuals affected with KCNT1-related conditions and no experimental evidence demonstrating its impact on protein function have been reported. ClinVar contains an entry for this variant (Variation ID: 1408730). Based on the evidence outlined above, the variant was classified as uncertain significance.

Labcorp Genetics (formerly Invitae), Labcorp
Classification: Uncertain significance for Autosomal dominant nocturnal frontal lobe epilepsy 5; Developmental and epileptic encephalopathy, 14. Last evaluated: 2024-11-18. Review status: criteria provided, single submitter. Criteria: Invitae Variant Classification Sherloc (09022015). Collection method: clinical testing. Allele origin: germline.
Comment: This sequence change replaces threonine, which is neutral and polar, with isoleucine, which is neutral and non-polar, at codon 9 of the KCNT1 protein (p.Thr9Ile). This variant is present in population databases (rs771423997, gnomAD 0.001%). This variant has not been reported in the literature in individuals affected with KCNT1-related conditions. ClinVar contains an entry for this variant (Variation ID: 1408730). Invitae Evidence Modeling of protein sequence and biophysical properties (such as structural, functional, and spatial information, amino acid conservation, physicochemical variation, residue mobility, and thermodynamic stability) indicates that this missense variant is not expected to disrupt KCNT1 protein function with a negative predictive value of 95%. In summary, the available evidence is currently insufficient to determine the role of this variant in disease. Therefore, it has been classified as a Variant of Uncertain Significance.

NM_020822.3(KCNT1):c.26C>T (p.Thr9Ile)

Gene: KCNT1 (potassium sodium-activated channel subfamily T member 1; plus strand). Cytogenetic location: 9q34.3.
Variant type: single nucleotide variant.
Coding change: c.26C>T on transcript NM_020822.3 (MANE Select); coding-DNA position 26, C replaced by T.
Protein change: p.Thr9Ile; replaces threonine 9 with isoleucine.
Molecular consequence: missense variant.
Genome position (GRCh38, 1-based): chr9:135,702,284, C>T. VCF-style: chr9-135702284-C-T. GRCh37 (hg19) VCF-style: chr9-138594130-C-T.
Other names: c.26C>T, p.Thr9Ile (NM_001272003.2); short protein forms T9I.
Identifiers: ClinVar variation 1408730 (VCV001408730.9), dbSNP rs771423997, ClinGen allele CA5326223.
Genomic context (GRCh38, chr9:135,702,284, plus strand): 5'-TTCTCCCTCGGGTCGGGTCCGAGCTGCCAGGCCGCATGCCACTCCCTGACGGGGCGCGGA[C>T]CCCGGGGGGCGTCTGCCGGGAGGCGCGCGGCGGGGGCTACACCAACCGGACCTTCGAGTT-3'
Protein context (NP_065873.2, residues 1-19): MPLPDGAR[Thr9Ile]PGGVCREARG